The following is an entry in ClinVar:

NM_004715.5(CTDP1):c.212G>A (p.Gly71Glu)

Gene: CTDP1 (CTD phosphatase subunit 1; plus strand). Cytogenetic location: 18q23.
Variant type: single nucleotide variant.
Coding change: c.212G>A on transcript NM_004715.5 (MANE Select); coding-DNA position 212, G replaced by A.
Protein change: p.Gly71Glu; replaces glycine 71 with glutamic acid.
Molecular consequence: missense variant.
Genome position (GRCh38, 1-based): chr18:79,680,159, G>A. VCF-style: chr18-79680159-G-A. GRCh37 (hg19) VCF-style: chr18-77440159-G-A.
Other names: c.212G>A, p.Gly71Glu (NM_001318511.2, NM_048368.4); short protein forms G71E.
Identifiers: ClinVar variation 2095700 (VCV002095700.4), dbSNP rs1599171924, ClinGen allele CA402825179.

ClinVar aggregate classification (germline): Uncertain significance (1 of 4 stars; one submission).

Allele frequency attached by ClinVar (database versions not stated): TOPMed below 0.00001; gnomAD exomes 0.00001.
gnomAD v4.1: 7 of 1,397,084 alleles (0.0005%); highest among the groups gnomAD compares: Non-Finnish European, 0.00065%; no homozygotes.

Submission:

Labcorp Genetics (formerly Invitae), Labcorp
Classification: Uncertain significance. Last evaluated: 2025-04-21. Review status: criteria provided, single submitter. Criteria: Invitae Variant Classification Sherloc (09022015). Collection method: clinical testing. Allele origin: germline.
Comment: This sequence change replaces glycine, which is neutral and non-polar, with glutamic acid, which is acidic and polar, at codon 71 of the CTDP1 protein (p.Gly71Glu). This variant is not present in population databases (gnomAD no frequency). This variant has not been reported in the literature in individuals affected with CTDP1-related conditions. ClinVar contains an entry for this variant (Variation ID: 2095700). An algorithm developed to predict the effect of missense changes on protein structure and function (PolyPhen-2) suggests that this variant is likely to be tolerated. In summary, the available evidence is currently insufficient to determine the role of this variant in disease. Therefore, it has been classified as a Variant of Uncertain Significance.